The following is an entry in ClinVar:

NM_000384.3(APOB):c.4028C>T (p.Pro1343Leu)

Gene: APOB (apolipoprotein B; minus strand). Cytogenetic location: 2p24.1.
Variant type: single nucleotide variant.
Coding change: c.4028C>T on transcript NM_000384.3 (MANE Select); coding-DNA position 4028, C replaced by T.
Protein change: p.Pro1343Leu; replaces proline 1343 with leucine.
Molecular consequence: missense variant.
Genome position (GRCh38, 1-based): chr2:21,013,348, G>A on the plus strand (C>T on the coding strand, the complement: APOB is on the minus strand). VCF-style: chr2-21013348-G-A. GRCh37 (hg19) VCF-style: chr2-21236220-G-A.
Other names: short protein forms P1343L.
Identifiers: ClinVar variation 3752709 (VCV003752709.2).

ClinVar aggregate classification (germline): Uncertain significance (1 of 4 stars; one submission).

Conditions:
Familial hypobetalipoproteinemia 1. Also called: APOB-Related Familial Hypobetalipoproteinemia; Hypobetalipoproteinemia, normotriglyceridemic; Acanthocytosis with hypobetalipoproteinemia. Identifiers: MedGen C4551990, MONDO:0014252, OMIM 615558.
Hypercholesterolemia, autosomal dominant, type B (FHCL2). Also called: Familial Hypercholesterolemia Type B; APOLIPOPROTEIN B-100, FAMILIAL DEFECTIVE; APOLIPOPROTEIN B-100, FAMILIAL LIGAND-DEFECTIVE; HYPERCHOLESTEROLEMIA, FAMILIAL, DUE TO LIGAND-DEFECTIVE APOLIPOPROTEIN B; Hyperlipoproteinemia Type IIb; Familial hypercholesterolemia 2. Identifiers: MedGen C1704417, MONDO:0007751, OMIM 144010.

gnomAD v4.1: 7 of 1,614,188 alleles (0.00043%); highest among the groups gnomAD compares: Non-Finnish European, 0.00059%; no homozygotes.

Submission:

Labcorp Genetics (formerly Invitae), Labcorp
Classification: Uncertain significance for Familial hypobetalipoproteinemia 1; Hypercholesterolemia, autosomal dominant, type B. Last evaluated: 2024-11-26. Review status: criteria provided, single submitter. Criteria: Invitae Variant Classification Sherloc (09022015). Collection method: clinical testing. Allele origin: germline.
Comment: This sequence change replaces proline, which is neutral and non-polar, with leucine, which is neutral and non-polar, at codon 1343 of the APOB protein (p.Pro1343Leu). This variant is not present in population databases (gnomAD no frequency). This variant has not been reported in the literature in individuals affected with APOB-related conditions. Invitae Evidence Modeling of protein sequence and biophysical properties (such as structural, functional, and spatial information, amino acid conservation, physicochemical variation, residue mobility, and thermodynamic stability) indicates that this missense variant is not expected to disrupt APOB protein function with a negative predictive value of 95%. In summary, the available evidence is currently insufficient to determine the role of this variant in disease. Therefore, it has been classified as a Variant of Uncertain Significance.